The following is an entry in ClinVar:

ClinVar aggregate classification (germline): Uncertain significance (1 of 4 stars; one submission).

Conditions:
Inborn genetic diseases. Identifiers: MedGen C0950123, MeSH D030342.

gnomAD v4.1: 1 of 1,614,172 alleles (0.000062%); highest among the groups gnomAD compares: African/African-American, 0.0013%; no homozygotes.

Submission:

Ambry Genetics
Classification: Uncertain significance for Inborn genetic diseases. Last evaluated: 2025-02-08. Review status: criteria provided, single submitter. Criteria: Ambry Variant Classification Scheme 2023. Collection method: clinical testing. Allele origin: germline.
Comment: The p.L574V variant (also known as c.1720C>G), located in coding exon 13 of the FANCG gene, results from a C to G substitution at nucleotide position 1720. The leucine at codon 574 is replaced by valine, an amino acid with highly similar properties. This amino acid position is conserved. In addition, this alteration is predicted to be tolerated by in silico analysis. Based on the available evidence, the clinical significance of this variant remains unclear.

NM_004629.2(FANCG):c.1720C>G (p.Leu574Val)

Gene: FANCG (FA complementation group G; minus strand). Cytogenetic location: 9p13.3.
Variant type: single nucleotide variant.
Coding change: c.1720C>G on transcript NM_004629.2 (MANE Select); coding-DNA position 1720, C replaced by G.
Protein change: p.Leu574Val; replaces leucine 574 with valine.
Molecular consequence: missense variant.
Genome position (GRCh38, 1-based): chr9:35,074,411, G>C on the plus strand (C>G on the coding strand, the complement: FANCG is on the minus strand). VCF-style: chr9-35074411-G-C. GRCh37 (hg19) VCF-style: chr9-35074408-G-C.
Other names: short protein forms L574V.
Identifiers: ClinVar variation 3848435 (VCV003848435.1).